The following is an entry in ClinVar:

ClinVar aggregate classification (germline): Uncertain significance. Review status: criteria provided, multiple submitters, no conflicts (2 of 4 stars). 2 submissions from 2 submitters: Uncertain significance (2). Last evaluated 2026-07-06.

Conditions:
TMEM132E-related disorder. Also called: TMEM132E-related condition.

Allele frequency attached by ClinVar (database versions not stated): ExAC 0.00001; gnomAD exomes 0.00001; TOPMed 0.00003.
gnomAD v4.1: 13 of 1,613,676 alleles (0.00081%); highest among the groups gnomAD compares: African/African-American, 0.016%; no homozygotes.

Submissions (2):

PreventionGenetics, part of Exact Sciences
Classification: Uncertain significance for TMEM132E-related condition. Last evaluated: 2026-07-06. Review status: criteria provided, single submitter. Criteria: ACMG Guidelines, 2015. Collection method: clinical testing. Allele origin: germline.
Comment: The TMEM132E c.1259C>T variant is predicted to result in the amino acid substitution p.Ala420Val. To our knowledge, this variant has not been reported in the literature. This variant is reported in 0.018% of alleles in individuals of African descent in gnomAD. At this time, the clinical significance of this variant is uncertain due to the absence of conclusive functional and genetic evidence.

Labcorp Genetics (formerly Invitae), Labcorp
Classification: Uncertain significance. Last evaluated: 2022-06-20. Review status: criteria provided, single submitter. Criteria: Invitae Variant Classification Sherloc (09022015). Collection method: clinical testing. Allele origin: germline.
Comment: In summary, the available evidence is currently insufficient to determine the role of this variant in disease. Therefore, it has been classified as a Variant of Uncertain Significance. Algorithms developed to predict the effect of missense changes on protein structure and function are either unavailable or do not agree on the potential impact of this missense change (SIFT: "Deleterious"; PolyPhen-2: "Not Available"; Align-GVGD: "Class C0"). This variant has not been reported in the literature in individuals affected with TMEM132E-related conditions. This variant is present in population databases (rs771832453, gnomAD 0.02%). This sequence change replaces alanine, which is neutral and non-polar, with valine, which is neutral and non-polar, at codon 420 of the TMEM132E protein (p.Ala420Val).

NM_001304438.2(TMEM132E):c.1259C>T (p.Ala420Val)

Gene: TMEM132E (transmembrane protein 132E; plus strand). Cytogenetic location: 17q12.
Variant type: single nucleotide variant.
Coding change: c.1259C>T on transcript NM_001304438.2 (MANE Select); coding-DNA position 1259, C replaced by T.
Protein change: p.Ala420Val; replaces alanine 420 with valine.
Molecular consequence: missense variant.
Genome position (GRCh38, 1-based): chr17:34,629,125, C>T. VCF-style: chr17-34629125-C-T. GRCh37 (hg19) VCF-style: chr17-32956144-C-T.
Other names: c.1259C>T (NM_001304438.1); short protein forms A420V.
Identifiers: ClinVar variation 1429963 (VCV001429963.9), dbSNP rs771832453, ClinGen allele CA8496621.